The following is an entry in ClinVar:

ClinVar aggregate classification (germline): Uncertain significance (1 of 4 stars; one submission).

Conditions:
Hereditary cancer-predisposing syndrome. Also called: Neoplastic Syndromes, Hereditary; Tumor predisposition; Hereditary Cancer Syndrome; Hereditary neoplastic syndrome. Identifiers: Orphanet 140162, MedGen C0027672, MeSH D009386, MONDO:0015356.

Allele frequency attached by ClinVar (database versions not stated): gnomAD exomes below 0.00001; ExAC 0.00001.
gnomAD v4.1: 3 of 1,614,154 alleles (0.00019%); highest among the groups gnomAD compares: South Asian, 0.0011%; no homozygotes.

Submission:

Ambry Genetics
Classification: Uncertain significance for Hereditary cancer-predisposing syndrome. Last evaluated: 2024-03-14. Review status: criteria provided, single submitter. Criteria: Ambry Variant Classification Scheme 2023. Collection method: clinical testing. Allele origin: germline.
Comment: The p.I269T variant (also known as c.806T>C), located in coding exon 7 of the EPCAM gene, results from a T to C substitution at nucleotide position 806. The isoleucine at codon 269 is replaced by threonine, an amino acid with similar properties. This amino acid position is conserved. In addition, the in silico prediction for this alteration is inconclusive. Since supporting evidence is limited at this time, the clinical significance of this alteration remains unclear.

NM_002354.3(EPCAM):c.806T>C (p.Ile269Thr)

Gene: EPCAM (epithelial cell adhesion molecule; plus strand). Cytogenetic location: 2p21.
Variant type: single nucleotide variant.
Coding change: c.806T>C on transcript NM_002354.3 (MANE Select); coding-DNA position 806, T replaced by C.
Protein change: p.Ile269Thr; replaces isoleucine 269 with threonine.
Molecular consequence: missense variant.
Genome position (GRCh38, 1-based): chr2:47,379,917, T>C. VCF-style: chr2-47379917-T-C. GRCh37 (hg19) VCF-style: chr2-47607056-T-C.
Other names: short protein forms I269T.
Identifiers: ClinVar variation 1761877 (VCV001761877.2), dbSNP rs764624596, ClinGen allele CA1649160.
Genomic context (GRCh38, chr2:47,379,917, plus strand): 5'-TTTATTATGTTGATGAAAAAGCACCTGAATTCTCAATGCAGGGTCTAAAAGCTGGTGTTA[T>C]TGCTGTTATTGTGGTTGTGGTGATAGCAGTTGTTGCTGGAATTGTTGTGCTGGTGAGTAC-3'
Protein context (NP_002345.2, residues 259-279): FSMQGLKAGV[Ile269Thr]AVIVVVVIAV